The following is an entry in ClinVar:

NM_002224.4(ITPR3):c.1110C>T (p.Asp370=)

Gene: ITPR3 (inositol 1,4,5-trisphosphate receptor type 3; plus strand). Cytogenetic location: 6p21.31.
Variant type: single nucleotide variant.
Coding change: c.1110C>T on transcript NM_002224.4 (MANE Select); coding-DNA position 1110, C replaced by T.
Protein change: p.Asp370=; no amino-acid change (aspartic acid 370 retained).
Molecular consequence: synonymous variant.
Genome position (GRCh38, 1-based): chr6:33,663,842, C>T. VCF-style: chr6-33663842-C-T. GRCh37 (hg19) VCF-style: chr6-33631619-C-T.
Identifiers: ClinVar variation 726593 (VCV000726593.8), dbSNP rs2229630, ClinGen allele CA3760158.

ClinVar aggregate classification (germline): Benign/Likely benign. Review status: criteria provided, multiple submitters, no conflicts (2 of 4 stars). 3 submissions from 3 submitters: Benign (1); Likely benign (1). 1 of the submissions does not count toward it. Last evaluated 2026-04-01.

Conditions:
ITPR3-related disorder. Also called: ITPR3-related condition.

Allele frequency attached by ClinVar (database versions not stated): gnomAD exomes 0.00022 and 0.00053; ExAC 0.00063; gnomAD 0.00198 and 0.00217; TOPMed 0.00230; ESP Exome Variant Server 0.00231; 1000 Genomes Project 30x 0.00250; 1000 Genomes Project 0.00260.
gnomAD v4.1: 652 of 1,614,180 alleles (0.04%); highest among the groups gnomAD compares: African/African-American, 0.77%; 5 homozygotes.

Submissions (3):

CeGaT Center for Human Genetics Tuebingen
Classification: Likely benign. Last evaluated: 2026-04-01. Review status: criteria provided, single submitter. Criteria: CeGaT Center For Human Genetics Tuebingen Variant Classification Criteria Version 2. Collection method: clinical testing. Allele origin: germline. Affected: yes. Observed: 1 variant allele.
Comment: ITPR3: BP4, BP7

Labcorp Genetics (formerly Invitae), Labcorp
Classification: Benign. Last evaluated: 2019-12-31. Review status: criteria provided, single submitter. Criteria: Invitae Variant Classification Sherloc (09022015). Collection method: clinical testing. Allele origin: germline.

PreventionGenetics, part of Exact Sciences
Classification: Benign for ITPR3-related condition. Last evaluated: 2019-09-17. Review status: no assertion criteria provided. Collection method: clinical testing. Allele origin: germline. Not counted in ClinVar's aggregate classification.
Comment: This variant is classified as benign based on ACMG/AMP sequence variant interpretation guidelines (Richards et al. 2015 PMID: 25741868, with internal and published modifications).